The following is an entry in ClinVar:

NM_001358263.1(HK1):c.29C>G (p.Ala10Gly)

Gene: HK1 (hexokinase 1; plus strand). Cytogenetic location: 10q22.1.
Variant type: single nucleotide variant.
Coding change: c.29C>G on transcript NM_001358263.1 (MANE Plus Clinical); coding-DNA position 29, C replaced by G.
Protein change: p.Ala10Gly; replaces alanine 10 with glycine.
Molecular consequence: missense variant. On other transcripts: 5 prime UTR variant (1).
Genome position (GRCh38, 1-based): chr10:69,295,634, C>G. VCF-style: chr10-69295634-C-G. GRCh37 (hg19) VCF-style: chr10-71055390-C-G.
Other names: c.29C>G, p.Ala10Gly (NM_001322364.2, NM_033497.3, NM_033498.3); c.122C>G, p.Ala41Gly (NM_001322365.2); c.-113C>G (NM_033500.2); short protein forms A10G, A41G.
Identifiers: ClinVar variation 3774773 (VCV003774773.1).

ClinVar aggregate classification (germline): Uncertain significance (1 of 4 stars; one submission).

Submission:

GeneDx
Classification: Uncertain significance. Last evaluated: 2024-09-30. Review status: criteria provided, single submitter. Criteria: GeneDx Variant Classification Process June 2021. Collection method: clinical testing. Allele origin: germline. Affected: yes.
Comment: Not observed at significant frequency in large population cohorts (gnomAD); In silico analysis supports that this missense variant does not alter protein structure/function; Has not been previously published as pathogenic or benign to our knowledge; Reported using an alternate transcript of the gene